The following is an entry in ClinVar:

NM_080680.3(COL11A2):c.4873G>C (p.Val1625Leu)

Gene: COL11A2 (collagen type XI alpha 2 chain; minus strand). Cytogenetic location: 6p21.32.
Variant type: single nucleotide variant.
Coding change: c.4873G>C on transcript NM_080680.3 (MANE Select); coding-DNA position 4873, G replaced by C.
Protein change: p.Val1625Leu; replaces valine 1625 with leucine.
Molecular consequence: missense variant.
Genome position (GRCh38, 1-based): chr6:33,164,464, C>G on the plus strand (G>C on the coding strand, the complement: COL11A2 is on the minus strand). VCF-style: chr6-33164464-C-G. GRCh37 (hg19) VCF-style: chr6-33132241-C-G.
Other names: c.4552G>C, p.Val1518Leu (NM_080679.3); c.4615G>C, p.Val1539Leu (NM_080681.3); short protein forms V1625L, V1518L, V1539L.
Identifiers: ClinVar variation 2129801 (VCV002129801.4), dbSNP rs754205211, ClinGen allele CA363616642.

ClinVar aggregate classification (germline): Uncertain significance (1 of 4 stars; one submission).

Submission:

Labcorp Genetics (formerly Invitae), Labcorp
Classification: Uncertain significance. Last evaluated: 2025-03-10. Review status: criteria provided, single submitter. Criteria: Invitae Variant Classification Sherloc (09022015). Collection method: clinical testing. Allele origin: germline.
Comment: This sequence change replaces valine, which is neutral and non-polar, with leucine, which is neutral and non-polar, at codon 1625 of the COL11A2 protein (p.Val1625Leu). This variant is not present in population databases (gnomAD no frequency). This variant has not been reported in the literature in individuals affected with COL11A2-related conditions. ClinVar contains an entry for this variant (Variation ID: 2129801). Invitae Evidence Modeling of protein sequence and biophysical properties (such as structural, functional, and spatial information, amino acid conservation, physicochemical variation, residue mobility, and thermodynamic stability) indicates that this missense variant is not expected to disrupt COL11A2 protein function with a negative predictive value of 95%. In summary, the available evidence is currently insufficient to determine the role of this variant in disease. Therefore, it has been classified as a Variant of Uncertain Significance.